The following is an entry in ClinVar:

ClinVar aggregate classification (germline): Uncertain significance. Review status: criteria provided, multiple submitters, no conflicts (2 of 4 stars). 3 submissions from 3 submitters: Uncertain significance (3). Last evaluated 2025-06-07.

Conditions:
Inborn genetic diseases. Identifiers: MedGen C0950123, MeSH D030342.
Hypersulfaturia (HYSULF). Identifiers: MedGen C5830511, MONDO:0957268, OMIM 620372.
Nephrolithiasis susceptibility caused by SLC26A1 (CAON1). Also called: NEPHROLITHIASIS, CALCIUM OXALATE, 1. Identifiers: MedGen C5779632, MONDO:0020722, OMIM 167030.

gnomAD v4.1: 112 of 1,553,942 alleles (0.0072%); highest among the groups gnomAD compares: Admixed American, 0.096%; no homozygotes.

Submissions (3):

Ambry Genetics
Classification: Uncertain significance for Inborn genetic diseases. Last evaluated: 2025-06-07. Review status: criteria provided, single submitter. Criteria: Ambry Variant Classification Scheme 2023. Collection method: clinical testing. Allele origin: germline.

Labcorp Genetics (formerly Invitae), Labcorp
Classification: Uncertain significance. Last evaluated: 2024-11-27. Review status: criteria provided, single submitter. Criteria: Invitae Variant Classification Sherloc (09022015). Collection method: clinical testing. Allele origin: germline.
Comment: This sequence change replaces serine, which is neutral and polar, with leucine, which is neutral and non-polar, at codon 497 of the SLC26A1 protein (p.Ser497Leu). This variant is present in population databases (rs749932178, gnomAD 0.1%), and has an allele count higher than expected for a pathogenic variant. This variant has not been reported in the literature in individuals affected with SLC26A1-related conditions. ClinVar contains an entry for this variant (Variation ID: 2511222). Invitae Evidence Modeling of protein sequence and biophysical properties (such as structural, functional, and spatial information, amino acid conservation, physicochemical variation, residue mobility, and thermodynamic stability) indicates that this missense variant is expected to disrupt SLC26A1 protein function with a positive predictive value of 80%. In summary, the available evidence is currently insufficient to determine the role of this variant in disease. Therefore, it has been classified as a Variant of Uncertain Significance.

Fulgent Genetics
Classification: Uncertain significance for Nephrolithiasis susceptibility caused by SLC26A1; Hypersulfaturia. Last evaluated: 2024-02-06. Review status: criteria provided, single submitter. Criteria: ACMG Guidelines, 2015. Collection method: clinical testing. Allele origin: germline.

NM_022042.4(SLC26A1):c.1490C>T (p.Ser497Leu)

Genes: IDUA (alpha-L-iduronidase; plus strand), SLC26A1 (solute carrier family 26 member 1; minus strand). Cytogenetic location: 4p16.3.
Variant type: single nucleotide variant.
Coding change: c.1490C>T on transcript NM_022042.4 (MANE Select); coding-DNA position 1490, C replaced by T.
Protein change: p.Ser497Leu; replaces serine 497 with leucine.
Molecular consequence: missense variant. On other transcripts: intron variant (2).
Genome position (GRCh38, 1-based): chr4:989,449, G>A on the plus strand (C>T on the coding strand, the complement: SLC26A1 is on the minus strand). VCF-style: chr4-989449-G-A. GRCh37 (hg19) VCF-style: chr4-983237-G-A.
Other names: c.1490C>T, p.Ser497Leu (NM_213613.4); c.576+1679C>T (NM_134425.4); c.299+1500G>A (NM_000203.5); short protein forms S497L.
Identifiers: ClinVar variation 2511222 (VCV002511222.7), dbSNP rs749932178, ClinGen allele CA2801369.